The following is an entry in ClinVar:

ClinVar aggregate classification (germline): Uncertain significance (1 of 4 stars; one submission).

Conditions:
Long QT syndrome (LQTS). Identifiers: MedGen C0023976, MeSH D008133, MONDO:0002442. Disease mechanism: loss of function. Inheritance: Various modes of inheritance.

Allele frequency attached by ClinVar (database versions not stated): gnomAD exomes below 0.00001; TOPMed below 0.00001.
gnomAD v4.1: 2 of 1,600,562 alleles (0.00012%); highest among the groups gnomAD compares: Admixed American, 0.0017%; no homozygotes.

Submission:

Labcorp Genetics (formerly Invitae), Labcorp
Classification: Uncertain significance for Long QT syndrome. Last evaluated: 2023-11-01. Review status: criteria provided, single submitter. Criteria: Invitae Variant Classification Sherloc (09022015). Collection method: clinical testing. Allele origin: germline.
Comment: This sequence change replaces glutamic acid, which is acidic and polar, with aspartic acid, which is acidic and polar, at codon 4 of the CACNA1C protein (p.Glu4Asp). This variant is not present in population databases (gnomAD no frequency). This variant has not been reported in the literature in individuals affected with CACNA1C-related conditions. Advanced modeling of protein sequence and biophysical properties (such as structural, functional, and spatial information, amino acid conservation, physicochemical variation, residue mobility, and thermodynamic stability) performed at Invitae indicates that this missense variant is not expected to disrupt CACNA1C protein function with a negative predictive value of 95%. In summary, the available evidence is currently insufficient to determine the role of this variant in disease. Therefore, it has been classified as a Variant of Uncertain Significance.

NM_000719.7(CACNA1C):c.12G>C (p.Glu4Asp)

Gene: CACNA1C (calcium voltage-gated channel subunit alpha1 C; plus strand). Cytogenetic location: 12p13.33.
Variant type: single nucleotide variant.
Coding change: c.12G>C on transcript NM_000719.7 (MANE Select); coding-DNA position 12, G replaced by C.
Protein change: p.Glu4Asp; replaces glutamic acid 4 with aspartic acid.
Molecular consequence: missense variant.
Genome position (GRCh38, 1-based): chr12:2,053,574, G>C. VCF-style: chr12-2053574-G-C. GRCh37 (hg19) VCF-style: chr12-2162740-G-C.
Other names: c.12G>C, p.Glu4Asp (NM_001129827.2, NM_001129829.2, NM_001129830.3 and 19 more transcripts); short protein forms E4D.
Identifiers: ClinVar variation 2996376 (VCV002996376.1), dbSNP rs2052987294, ClinGen allele CA383650627.